The following is an entry in ClinVar:

NM_001429.4(EP300):c.2676A>G (p.Gln892=)

Gene: EP300 (EP300 lysine acetyltransferase; plus strand). Cytogenetic location: 22q13.2.
Variant type: single nucleotide variant.
Coding change: c.2676A>G on transcript NM_001429.4 (MANE Select); coding-DNA position 2676, A replaced by G.
Protein change: p.Gln892=; no amino-acid change (glutamine 892 retained).
Molecular consequence: synonymous variant.
Genome position (GRCh38, 1-based): chr22:41,150,057, A>G. VCF-style: chr22-41150057-A-G. GRCh37 (hg19) VCF-style: chr22-41546061-A-G.
Other names: c.2676A>G (NM_001429.3); c.2598A>G, p.Gln866= (NM_001362843.2).
Identifiers: ClinVar variation 2723323 (VCV002723323.5), dbSNP rs374237094, ClinGen allele CA10252920.

ClinVar aggregate classification (germline): Benign. Review status: criteria provided, single submitter (1 of 4 stars). 2 submissions from 2 submitters: Benign (1). 1 of the submissions does not count toward it. Last evaluated 2024-10-21.

Conditions:
Rubinstein-Taybi syndrome due to EP300 haploinsufficiency. Also called: RUBINSTEIN-TAYBI SYNDROME 2; EP300-Related Rubinstein-Taybi Syndrome. Identifiers: Orphanet 353284, Orphanet 783, MedGen C3150941, MONDO:0013364, OMIM 613684.
EP300-related disorder. Also called: EP300-related condition; EP300-related disorders.

Allele frequency attached by ClinVar (database versions not stated): gnomAD exomes 0.00001; ExAC 0.00002; ESP Exome Variant Server 0.00008; TOPMed 0.00008; gnomAD 0.00011.
gnomAD v4.1: 34 of 1,613,330 alleles (0.0021%); highest among the groups gnomAD compares: African/African-American, 0.036%; no homozygotes.

Submissions (2):

Labcorp Genetics (formerly Invitae), Labcorp
Classification: Benign for Rubinstein-Taybi syndrome due to EP300 haploinsufficiency. Last evaluated: 2024-10-21. Review status: criteria provided, single submitter. Criteria: Invitae Variant Classification Sherloc (09022015). Collection method: clinical testing. Allele origin: germline.

PreventionGenetics, part of Exact Sciences
Classification: Likely benign for EP300-related condition. Last evaluated: 2022-02-17. Review status: no assertion criteria provided. Collection method: clinical testing. Allele origin: germline. Not counted in ClinVar's aggregate classification.
Comment: This variant is classified as likely benign based on ACMG/AMP sequence variant interpretation guidelines (Richards et al. 2015 PMID: 25741868, with internal and published modifications).